The following is an entry in ClinVar:

ClinVar aggregate classification (germline): Likely benign (0 of 4 stars; one submission).

Conditions:
RAI1-related disorder. Also called: RAI1-related condition.

gnomAD v4.1: 1 of 1,595,512 alleles (0.000063%); highest among the groups gnomAD compares: Non-Finnish European, 0.000086%; no homozygotes.

Submission:

PreventionGenetics, part of Exact Sciences
Classification: Likely benign for RAI1-related condition. Last evaluated: 2021-11-18. Review status: no assertion criteria provided. Collection method: clinical testing. Allele origin: germline.
Comment: This variant is classified as likely benign based on ACMG/AMP sequence variant interpretation guidelines (Richards et al. 2015 PMID: 25741868, with internal and published modifications).

NM_030665.4(RAI1):c.2415G>C (p.Ser805=)

Gene: RAI1 (retinoic acid induced 1; plus strand). Cytogenetic location: 17p11.2.
Variant type: single nucleotide variant.
Coding change: c.2415G>C on transcript NM_030665.4 (MANE Select); coding-DNA position 2415, G replaced by C.
Protein change: p.Ser805=; no amino-acid change (serine 805 retained).
Molecular consequence: synonymous variant.
Genome position (GRCh38, 1-based): chr17:17,795,363, G>C. VCF-style: chr17-17795363-G-C. GRCh37 (hg19) VCF-style: chr17-17698677-G-C.
Identifiers: ClinVar variation 3060274 (VCV003060274.2), dbSNP rs745917551, ClinGen allele CA498423841.